The following is an entry in ClinVar:

NM_018406.7(MUC4):c.9791C>G (p.Ser3264Cys)

Gene: MUC4 (mucin 4, cell surface associated). Cytogenetic location: 3q29.
Variant type: single nucleotide variant.
Coding change: c.9791C>G on transcript NM_018406.7 (MANE Select); coding-DNA position 9791, C replaced by G.
Protein change: p.Ser3264Cys; replaces serine 3264 with cysteine.
Molecular consequence: missense variant. On other transcripts: genic upstream transcript variant (2).
Genome position (GRCh38, 1-based): chr3:195,781,789, G>C on the plus strand (C>G on the coding strand, the complement: MUC4 is on the minus strand). VCF-style: chr3-195781789-G-C. GRCh37 (hg19) VCF-style: chr3-195508660-G-C.
Other names: c.14465C>G, p.Ser4822Cys (NM_001322468.1); c.83-7484C>G (NM_138297.5); c.83-3334C>G (NM_004532.6); short protein forms S3264C, S4822C.
Identifiers: ClinVar variation 2654439 (VCV002654439.24), dbSNP rs1260213383, ClinGen allele CA2770741.

ClinVar aggregate classification (germline): Likely benign (1 of 4 stars; one submission).

Allele frequency attached by ClinVar (database versions not stated): ExAC 0.00282.

Submission:

CeGaT Center for Human Genetics Tuebingen
Classification: Likely benign. Last evaluated: 2023-04-01. Review status: criteria provided, single submitter. Criteria: CeGaT Center For Human Genetics Tuebingen Variant Classification Criteria Version 2. Collection method: clinical testing. Allele origin: germline. Affected: yes. Observed: 1 variant allele.
Comment: MUC4: BP4, BS2